The following is an entry in ClinVar:

NM_001321571.2(CAMK2D):c.998C>A (p.Ala333Asp)

Gene: CAMK2D (calcium/calmodulin dependent protein kinase II delta; minus strand). Cytogenetic location: 4q26.
Variant type: single nucleotide variant.
Coding change: c.998C>A on transcript NM_001321571.2 (MANE Select); coding-DNA position 998, C replaced by A.
Protein change: p.Ala333Asp; replaces alanine 333 with aspartic acid.
Molecular consequence: missense variant. On other transcripts: intron variant (36).
Genome position (GRCh38, 1-based): chr4:113,505,022, G>T on the plus strand (C>A on the coding strand, the complement: CAMK2D is on the minus strand). VCF-style: chr4-113505022-G-T. GRCh37 (hg19) VCF-style: chr4-114426178-G-T.
Other names: c.998C>A, p.Ala333Asp (NM_001321567.2, NM_001321569.2, NM_001321570.2 and 3 more transcripts); c.995C>A, p.Ala332Asp (NM_001321586.2, NM_001399855.1, NM_001399856.1); c.611C>A, p.Ala204Asp (NM_001399863.1); c.397-2045C>A (NM_001321578.2, NM_001321585.2); c.982-2045C>A (NM_001321577.2, NM_001321584.2, NM_001321588.2); c.985-4511C>A (NM_001399858.1, NM_172128.3, NM_001221.4 and 2 more transcripts); c.985-2045C>A (NM_001321575.2, NM_001396964.1, NM_001321583.2 and 4 more transcripts); c.1018-2045C>A (NM_001321568.2, NM_001321587.2, NM_001321573.2 and 1 more transcripts); and 8 more; short protein forms A204D, A332D, A333D.
Identifiers: ClinVar variation 4852306 (VCV004852306.1).

ClinVar aggregate classification (germline): Likely benign (1 of 4 stars; one submission).

Conditions:
CAMK2D-related neurodevelopmental disorder and dilated cardiomyopathy. Identifiers: MedGen CN378761, MONDO:1040008.

Submission:

Centre for Medical Genetics,  Mumbai
Classification: Likely benign for CAMK2D-related neurodevelopmental disorder and dilated cardiomyopathy. Last evaluated: 2026-05-13. Review status: criteria provided, single submitter. Criteria: ACMG Guidelines, 2015. Collection method: provider interpretation. Allele origin: germline. Inheritance: Autosomal dominant inheritance. Affected: no. Observed: 1 variant allele, 1 heterozygote.
Comment: The variant satisfies PM2 criteria - extremely low frequency in gnomAD population databases. The variant satisfies PP2 criteria - missense variant in a gene with low rate of benign missense mutations and for which missense mutation is a common mechanism of a disease. The variant satisfies BP4 criteria - for a missense or a splice region variant, computational prediction tools unanimously support a benign effect on the gene. However, the variant satisfies BS2 criteria - present in heterozygous state in an individual that clinically does not have complex neurodevelopmental disorder.

Literature cited by the submitters: DOI 10.1016/j.ajhg.2023.12.016.